The following is an entry in ClinVar:

NM_001080.3(ALDH5A1):c.1558G>A (p.Gly520Ser)

Gene: ALDH5A1 (aldehyde dehydrogenase 5 family member A1; plus strand). Cytogenetic location: 6p22.3.
Variant type: single nucleotide variant.
Coding change: c.1558G>A on transcript NM_001080.3 (MANE Select); coding-DNA position 1558, G replaced by A.
Protein change: p.Gly520Ser; replaces glycine 520 with serine.
Molecular consequence: missense variant.
Genome position (GRCh38, 1-based): chr6:24,533,662, G>A. VCF-style: chr6-24533662-G-A. GRCh37 (hg19) VCF-style: chr6-24533890-G-A.
Other names: c.1414G>A, p.Gly472Ser (NM_001368954.1); c.1597G>A, p.Gly533Ser (NM_170740.1); short protein forms G520S, G533S, G472S.
Identifiers: ClinVar variation 573296 (VCV000573296.7), dbSNP rs1179619995, ClinGen allele CA362967802.

ClinVar aggregate classification (germline): Uncertain significance. Review status: criteria provided, multiple submitters, no conflicts (2 of 4 stars). 2 submissions from 2 submitters: Uncertain significance (2). Last evaluated 2022-04-23.

Conditions:
Succinate-semialdehyde dehydrogenase deficiency (SSADHD). Also called: 4-HYDROXYBUTYRIC ACIDURIA; SSADH DEFICIENCY; GABA METABOLIC DEFECT; Succinic Semialdehyde Dehydrogenase Deficiency. Identifiers: Orphanet 22, MedGen C0268631, MONDO:0010083, OMIM 271980.

Allele frequency attached by ClinVar (database versions not stated): gnomAD exomes below 0.00001; TOPMed 0.00002; gnomAD 0.00003.
gnomAD v4.1: 44 of 1,613,982 alleles (0.0027%); highest among the groups gnomAD compares: Non-Finnish European, 0.0035%; no homozygotes.

Submissions (2):

Labcorp Genetics (formerly Invitae), Labcorp
Classification: Uncertain significance for Succinate-semialdehyde dehydrogenase deficiency. Last evaluated: 2022-04-23. Review status: criteria provided, single submitter. Criteria: Invitae Variant Classification Sherloc (09022015). Collection method: clinical testing. Allele origin: germline.
Comment: This sequence change replaces glycine, which is neutral and non-polar, with serine, which is neutral and polar, at codon 520 of the ALDH5A1 protein (p.Gly520Ser). The frequency data for this variant in the population databases is considered unreliable, as metrics indicate poor data quality at this position in the gnomAD database. This variant has not been reported in the literature in individuals affected with ALDH5A1-related conditions. ClinVar contains an entry for this variant (Variation ID: 573296). Advanced modeling of protein sequence and biophysical properties (such as structural, functional, and spatial information, amino acid conservation, physicochemical variation, residue mobility, and thermodynamic stability) performed at Invitae indicates that this missense variant is expected to disrupt ALDH5A1 protein function. Algorithms developed to predict the effect of sequence changes on RNA splicing suggest that this variant may disrupt the consensus splice site. In summary, the available evidence is currently insufficient to determine the role of this variant in disease. Therefore, it has been classified as a Variant of Uncertain Significance.

GeneDx
Classification: Uncertain significance. Last evaluated: 2019-05-06. Review status: criteria provided, single submitter. Criteria: GeneDx Variant Classification Process June 2021. Collection method: clinical testing. Allele origin: germline. Affected: yes.
Comment: Not observed at a significant frequency in large population cohorts (Lek et al., 2016); In silico analysis, which includes protein predictors and evolutionary conservation, supports a deleterious effect; Has not been previously published as pathogenic or benign to our knowledge; This variant is associated with the following publications: (PMID: 28191889)